The following is an entry in ClinVar:

NM_000059.4(BRCA2):c.4768_4769del (p.Lys1590fs)

Gene: BRCA2 (BRCA2 DNA repair associated; plus strand). Cytogenetic location: 13q13.1.
Variant type: Deletion.
Coding change: c.4768_4769del on transcript NM_000059.4 (MANE Select); coding-DNA positions 4768 to 4769, 2 bases deleted (AA; older notation c.4768_4769delAA).
Protein change: p.Lys1590fs; shifts the reading frame from lysine 1590.
Molecular consequence: frameshift variant.
Genome position (GRCh38, 1-based): chr13:32,339,123-32,339,124, AA deleted; deleting any 2 consecutive bases within chr13:32,339,122-32,339,124 gives the same sequence; the c. name uses the placement nearest the transcript's 3' end. VCF-style (leftmost placement, unchanged base first): chr13-32339121-CAA-C. GRCh37 (hg19) VCF-style: chr13-32913258-CAA-C.
Other names: c.4768_4769delAA (NM_000059.3); short protein forms K1590fs.
Identifiers: ClinVar variation 938569 (VCV000938569.9), dbSNP rs879255328, ClinGen allele CA1139663215.

ClinVar aggregate classification (germline): Pathogenic. Review status: criteria provided, multiple submitters, no conflicts (2 of 4 stars). 2 submissions from 2 submitters: Pathogenic (2). Last evaluated 2025-05-30.

Conditions:
Hereditary breast ovarian cancer syndrome. Also called: BRCA1- and BRCA2-Associated Hereditary Breast and Ovarian Cancer; Hereditary breast and/or ovarian cancer syndrome; Hereditary breast and ovarian cancer syndrome; Hereditary breast and ovarian cancer; Breast and ovarian cancer; Hereditary breast and ovarian cancer syndrome (HBOC). Identifiers: Orphanet 145, MedGen C0677776, MeSH D061325, MONDO:0003582. Disease mechanism: loss of function.
Hereditary cancer-predisposing syndrome. Also called: Tumor predisposition; Hereditary neoplastic syndrome; Hereditary Cancer Syndrome; Neoplastic Syndromes, Hereditary. Identifiers: Orphanet 140162, MedGen C0027672, MeSH D009386, MONDO:0015356.

Submissions (2):

Ambry Genetics
Classification: Pathogenic for Hereditary cancer-predisposing syndrome. Last evaluated: 2025-05-30. Review status: criteria provided, single submitter. Criteria: Ambry Variant Classification Scheme 2023. Collection method: clinical testing. Allele origin: germline.
Comment: The c.4768_4769delAA pathogenic mutation, located in coding exon 10 of the BRCA2 gene, results from a deletion of two nucleotides at nucleotide positions 4768 to 4769, causing a translational frameshift with a predicted alternate stop codon (p.K1590Vfs*2). This variant is considered to be rare based on population cohorts in the Genome Aggregation Database (gnomAD). This alteration is expected to result in loss of function by premature protein truncation or nonsense-mediated mRNA decay. As such, this alteration is interpreted as a disease-causing mutation.

Labcorp Genetics (formerly Invitae), Labcorp
Classification: Pathogenic for Hereditary breast ovarian cancer syndrome. Last evaluated: 2019-06-09. Review status: criteria provided, single submitter. Criteria: Invitae Variant Classification Sherloc (09022015). Collection method: clinical testing. Allele origin: germline.
Comment: For these reasons, this variant has been classified as Pathogenic. Loss-of-function variants in BRCA2 are known to be pathogenic (PMID: 20104584). This variant has not been reported in the literature in individuals with BRCA2-related conditions. This variant is not present in population databases (ExAC no frequency). This sequence change creates a premature translational stop signal (p.Lys1590Valfs*2) in the BRCA2 gene. It is expected to result in an absent or disrupted protein product.

Literature cited by the submitters: PubMed 20104584 (cited by Labcorp Genetics (formerly Invitae), Labcorp).